The following is an entry in ClinVar:

NM_001036.6(RYR3):c.2867+3A>T

Gene: RYR3 (ryanodine receptor 3; plus strand). Cytogenetic location: 15q14.
Variant type: single nucleotide variant.
Coding change: c.2867+3A>T on transcript NM_001036.6 (MANE Select); 3 bases into the intron after coding-DNA position 2867, A replaced by T.
Molecular consequence: intron variant.
Genome position (GRCh38, 1-based): chr15:33,631,296, A>T. VCF-style: chr15-33631296-A-T. GRCh37 (hg19) VCF-style: chr15-33923497-A-T.
Other names: c.2867+3A>T (NM_001243996.4).
Identifiers: ClinVar variation 1000274 (VCV001000274.7), dbSNP rs561947889, ClinGen allele CA7458553.

ClinVar aggregate classification (germline): Uncertain significance (1 of 4 stars; one submission).

Conditions:
Epileptic encephalopathy. Identifiers: MedGen C0543888, HP:0200134.

Allele frequency attached by ClinVar (database versions not stated): ExAC below 0.00001; TOPMed 0.00002; 1000 Genomes Project 0.00040; 1000 Genomes Project 30x 0.00047.
gnomAD v4.1: 14 of 1,566,310 alleles (0.00089%); highest among the groups gnomAD compares: East Asian, 0.028%; no homozygotes.

Submission:

Labcorp Genetics (formerly Invitae), Labcorp
Classification: Uncertain significance for Epileptic encephalopathy. Last evaluated: 2024-05-20. Review status: criteria provided, single submitter. Criteria: Invitae Variant Classification Sherloc (09022015). Collection method: clinical testing. Allele origin: germline.
Comment: This sequence change falls in intron 23 of the RYR3 gene. It does not directly change the encoded amino acid sequence of the RYR3 protein. It affects a nucleotide within the consensus splice site. This variant is present in population databases (rs561947889, gnomAD 0.04%). This variant has not been reported in the literature in individuals affected with RYR3-related conditions. ClinVar contains an entry for this variant (Variation ID: 1000274). Variants that disrupt the consensus splice site are a relatively common cause of aberrant splicing (PMID: 17576681, 9536098). Algorithms developed to predict the effect of sequence changes on RNA splicing suggest that this variant may disrupt the consensus splice site. In summary, the available evidence is currently insufficient to determine the role of this variant in disease. Therefore, it has been classified as a Variant of Uncertain Significance.

Literature cited by the submitters: PubMed 17576681; PubMed 9536098.